The following is an entry in ClinVar:

NM_001365276.2(TNXB):c.7124A>C (p.His2375Pro)

Gene: TNXB (tenascin XB; minus strand). Cytogenetic location: 6p21.33.
Variant type: single nucleotide variant.
Coding change: c.7124A>C on transcript NM_001365276.2 (MANE Select); coding-DNA position 7124, A replaced by C.
Protein change: p.His2375Pro; replaces histidine 2375 with proline.
Molecular consequence: missense variant.
Genome position (GRCh38, 1-based): chr6:32,062,201, T>G on the plus strand (A>C on the coding strand, the complement: TNXB is on the minus strand). VCF-style: chr6-32062201-T-G. GRCh37 (hg19) VCF-style: chr6-32029978-T-G.
Other names: c.7124A>C, p.His2375Pro (NM_019105.8); short protein forms H2375P.
Identifiers: ClinVar variation 1757282 (VCV001757282.4), dbSNP rs762163503, ClinGen allele CA3734253.
Genomic context (GRCh38, chr6:32,062,201, plus strand): 5'-CCCATCGTCCACTCACCTGTCACCCCGATGGCAGACACGGGGCCCACACGCTGGCCACCG[T>G]GGAAGCCGTACAGGTTCATCTTGTACTTGTTGTCTGGCTCCAGGCCGGAGATGGTGACCC-3'
Protein context (NP_001352205.1, residues 2365-2385): NKYKMNLYGF[His2375Pro]GGQRVGPVSA

ClinVar aggregate classification (germline): Uncertain significance. Review status: criteria provided, multiple submitters, no conflicts (2 of 4 stars). 2 submissions from 2 submitters: Uncertain significance (2). Last evaluated 2026-05-11.

Conditions:
Cardiovascular phenotype. Identifiers: MedGen CN230736.

Allele frequency attached by ClinVar (database versions not stated): TOPMed 0.00003; gnomAD 0.00002; gnomAD exomes below 0.00001.
gnomAD v4.1: 7 of 1,612,392 alleles (0.00043%); highest among the groups gnomAD compares: African/African-American, 0.0013%; no homozygotes.

Submissions (2):

Women's Health and Genetics/Laboratory Corporation of America, LabCorp
Classification: Uncertain significance. Last evaluated: 2026-05-11. Review status: criteria provided, single submitter. Criteria: LabCorp Variant Classification Summary - May 2015. Collection method: clinical testing. Allele origin: germline.
Comment: Variant summary: TNXB c.7124A>C (p.His2375Pro) results in a non-conservative amino acid change in the encoded protein sequence. Algorithms developed to predict the effect of missense changes on protein structure and function are either unavailable or do not agree on the potential impact of this missense change. The variant allele was found at a frequency of 4.1e-06 in 245082 control chromosomes. The available data on variant occurrences in the general population are insufficient to allow any conclusion about variant significance. To our knowledge, no occurrence of c.7124A>C in individuals affected with TNXB-related conditions and no experimental evidence demonstrating its impact on protein function have been reported. ClinVar contains an entry for this variant (Variation ID: 1757282). Based on the evidence outlined above, the variant was classified as uncertain significance.

Ambry Genetics
Classification: Uncertain significance for Cardiovascular phenotype. Last evaluated: 2024-11-13. Review status: criteria provided, single submitter. Criteria: Ambry Variant Classification Scheme 2023. Collection method: clinical testing. Allele origin: germline.